The following is an entry in ClinVar:

NM_181882.3(PRX):c.3110A>G (p.Glu1037Gly)

Gene: PRX (periaxin; minus strand). Cytogenetic location: 19q13.2.
Variant type: single nucleotide variant.
Coding change: c.3110A>G on transcript NM_181882.3 (MANE Select); coding-DNA position 3110, A replaced by G.
Protein change: p.Glu1037Gly; replaces glutamic acid 1037 with glycine.
Molecular consequence: missense variant. On other transcripts: 3 prime UTR variant (1).
Genome position (GRCh38, 1-based): chr19:40,395,242, T>C on the plus strand (A>G on the coding strand, the complement: PRX is on the minus strand). VCF-style: chr19-40395242-T-C. GRCh37 (hg19) VCF-style: chr19-40901149-T-C.
Other names: c.*3315A>G (NM_020956.2); short protein forms E1037G.
Identifiers: ClinVar variation 596634 (VCV000596634.29), dbSNP rs148600818, ClinGen allele CA9443918.

ClinVar aggregate classification (germline): Conflicting classifications of pathogenicity. Review status: criteria provided, conflicting classifications (1 of 4 stars). 7 submissions from 7 submitters: Uncertain significance (2); Likely benign (5). Last evaluated 2025-11-12.

Conditions:
Charcot-Marie-Tooth disease type 4. Also called: Charcot-Marie-Tooth disease, type IV; Charcot-Marie-Tooth, Type 4. Identifiers: Orphanet 64749, MedGen C4082197, MONDO:0018995.
PRX-related disorder. Also called: PRX-Related Disorders; PRX-related condition.
Inborn genetic diseases. Identifiers: MedGen C0950123, MeSH D030342.

Allele frequency attached by ClinVar (database versions not stated): gnomAD 0.00092 and 0.00099; 1000 Genomes Project 30x 0.00094; gnomAD exomes 0.00012 and 0.00031; ExAC 0.00037; ESP Exome Variant Server 0.00085; 1000 Genomes Project 0.00100; TOPMed 0.00127.
gnomAD v4.1: 322 of 1,613,998 alleles (0.02%); highest among the groups gnomAD compares: African/African-American, 0.37%; 2 homozygotes.

Submissions (7):

Labcorp Genetics (formerly Invitae), Labcorp
Classification: Likely benign for Charcot-Marie-Tooth disease type 4. Last evaluated: 2025-11-12. Review status: criteria provided, single submitter. Criteria: Invitae Variant Classification Sherloc (09022015). Collection method: clinical testing. Allele origin: germline.

CeGaT Center for Human Genetics Tuebingen
Classification: Likely benign. Last evaluated: 2025-09-01. Review status: criteria provided, single submitter. Criteria: CeGaT Center For Human Genetics Tuebingen Variant Classification Criteria Version 2. Collection method: clinical testing. Allele origin: germline. Affected: yes. Observed: 1 variant allele.
Comment: PRX: BP4, BS2

PreventionGenetics, part of Exact Sciences
Classification: Likely benign for PRX-related condition. Last evaluated: 2025-05-21. Review status: criteria provided, single submitter. Criteria: ACMG Guidelines, 2015. Collection method: clinical testing. Allele origin: germline.
Comment: This variant is classified as likely benign based on ACMG/AMP sequence variant interpretation guidelines (Richards et al. 2015 PMID: 25741868, with internal and published modifications).

ARUP Laboratories, Molecular Genetics and Genomics, ARUP Laboratories
Classification: Uncertain significance. Last evaluated: 2022-04-01. Review status: criteria provided, single submitter. Criteria: ARUP Molecular Germline Variant Investigation Process 2021. Collection method: clinical testing. Allele origin: germline.
Comment: The PRX c.3110A>G; p.Glu1037Gly variant (rs148600818), to our knowledge, is not reported in the medical literature but is reported in ClinVar (Variation ID: 596634). This variant is found in the general population with an overall allele frequency of 0.04% (103/282730 alleles, including 1 homozygote) in the Genome Aggregation Database. The glutamate at codon 1037 is weakly conserved, and computational analyses predict that this variant is neutral (REVEL: 0.034). Due to the lack of clinical and functional data, the clinical significance of the p.Glu1037Gly variant is uncertain at this time.

Ambry Genetics
Classification: Likely benign for Inborn genetic diseases. Last evaluated: 2022-01-10. Review status: criteria provided, single submitter. Criteria: Ambry Variant Classification Scheme 2023. Collection method: clinical testing. Allele origin: germline.

GeneDx
Classification: Likely benign. Last evaluated: 2019-10-16. Review status: criteria provided, single submitter. Criteria: GeneDx Variant Classification Process June 2021. Collection method: clinical testing. Allele origin: germline. Affected: yes.
Comment: See Variant Classification Assertion Criteria.

Eurofins Ntd Llc (ga)
Classification: Uncertain significance. Last evaluated: 2018-03-22. Review status: criteria provided, single submitter. Criteria: EGL ClinVar v180209 classification definitions. Collection method: clinical testing. Allele origin: germline. Observed: 1 variant allele, 1 heterozygote.